The following is an entry in ClinVar:

NM_170606.3(KMT2C):c.4986del (p.Asn1663fs)

Gene: KMT2C (lysine methyltransferase 2C; minus strand). Cytogenetic location: 7q36.1.
Variant type: Deletion.
Coding change: c.4986del on transcript NM_170606.3 (MANE Select); coding-DNA position 4986, one base deleted (C; older notation c.4986delC).
Protein change: p.Asn1663fs; shifts the reading frame from asparagine 1663.
Molecular consequence: frameshift variant.
Genome position (GRCh38, 1-based): chr7:152,187,284, G deleted on the plus strand (C on the coding strand, the reverse complement: KMT2C is on the minus strand); the first of 4 consecutive G bases (chr7:152,187,284-152,187,287); deleting any one gives the same sequence. VCF-style (leftmost placement, unchanged base first): chr7-152187283-TG-T. GRCh37 (hg19) VCF-style: chr7-151884368-TG-T.
Other names: short protein forms N1663fs.
Identifiers: ClinVar variation 4856819 (VCV004856819.2).

ClinVar aggregate classification (germline): Likely pathogenic (1 of 4 stars; one submission).

Submission:

Dasa
Classification: Likely pathogenic. Last evaluated: 2026-04-05. Review status: criteria provided, single submitter. Criteria: DASA Assertion Criteria. Collection method: clinical testing. Allele origin: germline.
Comment: NM_170606.3(KMT2C):c.4986del (p.Asn1663Thrfs*2) is a frameshift variant in KMT2C predicted to alter the reading frame and introduce a premature termination codon and is predicted to result in an absent or altered protein product. Loss of function is an established disease mechanism for KMT2C (PMID: 23375656; PMID: 22726846; PMID: 29069077). Also, this variant is absent from population databases. Based on the currently available evidence, this variant is classified as likely pathogenic.

Literature cited by the submitters: PubMed 23375656; PubMed 22726846; PubMed 29069077.